The following is an entry in ClinVar:

ClinVar aggregate classification (germline): Uncertain significance (1 of 4 stars; one submission).

Submission:

Labcorp Genetics (formerly Invitae), Labcorp
Classification: Uncertain significance. Last evaluated: 2024-03-10. Review status: criteria provided, single submitter. Criteria: Invitae Variant Classification Sherloc (09022015). Collection method: clinical testing. Allele origin: germline.
Comment: This sequence change replaces aspartic acid, which is acidic and polar, with tyrosine, which is neutral and polar, at codon 257 of the CYC1 protein (p.Asp257Tyr). This variant is not present in population databases (gnomAD no frequency). This variant has not been reported in the literature in individuals affected with CYC1-related conditions. Advanced modeling of protein sequence and biophysical properties (such as structural, functional, and spatial information, amino acid conservation, physicochemical variation, residue mobility, and thermodynamic stability) performed at Invitae indicates that this missense variant is expected to disrupt CYC1 protein function with a positive predictive value of 80%. In summary, the available evidence is currently insufficient to determine the role of this variant in disease. Therefore, it has been classified as a Variant of Uncertain Significance.

NM_001916.5(CYC1):c.769G>T (p.Asp257Tyr)

Gene: CYC1 (cytochrome c1; plus strand). Cytogenetic location: 8q24.3.
Variant type: single nucleotide variant.
Coding change: c.769G>T on transcript NM_001916.5 (MANE Select); coding-DNA position 769, G replaced by T.
Protein change: p.Asp257Tyr; replaces aspartic acid 257 with tyrosine.
Molecular consequence: missense variant.
Genome position (GRCh38, 1-based): chr8:144,096,741, G>T. VCF-style: chr8-144096741-G-T. GRCh37 (hg19) VCF-style: chr8-145151644-G-T.
Other names: short protein forms D257Y.
Identifiers: ClinVar variation 3639175 (VCV003639175.2).